The following is an entry in ClinVar:

NM_005012.4(ROR1):c.2444G>T (p.Arg815Leu)

Gene: ROR1 (receptor tyrosine kinase like orphan receptor 1; plus strand). Cytogenetic location: 1p31.3.
Variant type: single nucleotide variant.
Coding change: c.2444G>T on transcript NM_005012.4 (MANE Select); coding-DNA position 2444, G replaced by T.
Protein change: p.Arg815Leu; replaces arginine 815 with leucine.
Molecular consequence: missense variant.
Genome position (GRCh38, 1-based): chr1:64,178,485, G>T. VCF-style: chr1-64178485-G-T. GRCh37 (hg19) VCF-style: chr1-64644168-G-T.
Other names: c.2444G>T (NM_005012.3); short protein forms R815L.
Identifiers: ClinVar variation 2076578 (VCV002076578.6), dbSNP rs201257776, ClinGen allele CA890422.

ClinVar aggregate classification (germline): Likely benign. Review status: criteria provided, single submitter (1 of 4 stars). 2 submissions from 2 submitters: Likely benign (1). 1 of the submissions does not count toward it. Last evaluated 2026-01-07.

Conditions:
ROR1-related disorder. Also called: ROR1-related condition.

Allele frequency attached by ClinVar (database versions not stated): gnomAD 0.00009; 1000 Genomes Project 0.00100; 1000 Genomes Project 30x 0.00109.
gnomAD v4.1: 118 of 1,614,164 alleles (0.0073%); highest among the groups gnomAD compares: Admixed American, 0.19%; 1 homozygote.

Submissions (2):

Labcorp Genetics (formerly Invitae), Labcorp
Classification: Likely benign. Last evaluated: 2026-01-07. Review status: criteria provided, single submitter. Criteria: Invitae Variant Classification Sherloc (09022015). Collection method: clinical testing. Allele origin: germline.

PreventionGenetics, part of Exact Sciences
Classification: Likely benign for ROR1-related condition. Last evaluated: 2024-02-11. Review status: no assertion criteria provided. Collection method: clinical testing. Allele origin: germline. Not counted in ClinVar's aggregate classification.
Comment: This variant is classified as likely benign based on ACMG/AMP sequence variant interpretation guidelines (Richards et al. 2015 PMID: 25741868, with internal and published modifications).